The following is an entry in ClinVar:

NM_000202.8(IDS):c.697A>G (p.Arg233Gly)

Genes: IDS (iduronate 2-sulfatase; minus strand), LOC106050102 (IDS recombination region; plus strand). Cytogenetic location: Xq28.
Variant type: single nucleotide variant.
Coding change: c.697A>G on transcript NM_000202.8 (MANE Select); coding-DNA position 697, A replaced by G.
Protein change: p.Arg233Gly; replaces arginine 233 with glycine.
Molecular consequence: missense variant. On other transcripts: non-coding transcript variant (1).
Genome position (GRCh38, 1-based): chrX:149,498,118, T>C on the plus strand (A>G on the coding strand, the complement: IDS is on the minus strand). VCF-style: chrX-149498118-T-C. GRCh37 (hg19) VCF-style: chrX-148579649-T-C.
Other names: c.427A>G, p.Arg143Gly (NM_001166550.4); c.697A>G, p.Arg233Gly (NM_006123.5); short protein forms R143G, R233G.
Identifiers: ClinVar variation 3255809 (VCV003255809.2).

ClinVar aggregate classification (germline): Likely pathogenic (1 of 4 stars; one submission).

Conditions:
Mucopolysaccharidosis, MPS-II (MPS2). Also called: Hunter Syndrome; IDURONATE 2-SULFATASE DEFICIENCY; Mucopolysaccharidosis Type II; Mucopolysaccharidosis type 2; Attenuated MPS (subtype; formerly known as mild MPS II); Severe MPS II. Identifiers: Orphanet 580, Orphanet 79388, MedGen C0026705, MONDO:0010674, OMIM 309900.

Submission:

Laboratory of Diagnosis and Therapy of Lysosomal Disorders, University of Padova
Classification: Likely pathogenic for Mucopolysaccharidosis, MPS-II. Last evaluated: 2024-06-07. Review status: criteria provided, single submitter. Criteria: ACMG Guidelines, 2015. Collection method: literature only. Allele origin: germline. Affected: yes. Observed: 5 variant alleles.
Comment: Prevalence of the variant significantly increased in affected individuals compared with controls (PS4_Supporting), Absent from controls (or at low frequency) in gnomAD database (PM2_Moderate), Missense variant in a gene with a low rate of benign missense variation (PP2_Supporting), Multiple lines of computational evidence support a deleterious effect (PP3_Supporting), Patient’s phenotype or family history highly specific for the disease (PP4_Moderate)

Classification method: ACMG Guidelines [PMID:25741868] with modifications

Literature cited by the submitters: PubMed 24780617; PubMed 31877959; PubMed 33676511.